The following is an entry in ClinVar:

NM_002691.4(POLD1):c.1786G>A (p.Val596Ile)

Gene: POLD1 (DNA polymerase delta 1, catalytic subunit; plus strand). Cytogenetic location: 19q13.33.
Variant type: single nucleotide variant.
Coding change: c.1786G>A on transcript NM_002691.4 (MANE Select); coding-DNA position 1786, G replaced by A.
Protein change: p.Val596Ile; replaces valine 596 with isoleucine.
Molecular consequence: missense variant. On other transcripts: non-coding transcript variant (1).
Genome position (GRCh38, 1-based): chr19:50,408,795, G>A. VCF-style: chr19-50408795-G-A. GRCh37 (hg19) VCF-style: chr19-50912052-G-A.
Other names: c.1786G>A, p.Val596Ile (NM_001256849.1); c.1864G>A, p.Val622Ile (NM_001308632.1); c.1786G>A (NM_002691.2); short protein forms V596I, V622I.
Identifiers: ClinVar variation 408030 (VCV000408030.17), dbSNP rs773180520, ClinGen allele CA16616381.

ClinVar aggregate classification (germline): Uncertain significance. Review status: criteria provided, multiple submitters, no conflicts (2 of 4 stars). 7 submissions from 7 submitters: Uncertain significance (6). 1 of the submissions does not count toward it. Last evaluated 2025-12-08.

Conditions:
Hereditary cancer-predisposing syndrome. Also called: Neoplastic Syndromes, Hereditary; Hereditary neoplastic syndrome; Hereditary Cancer Syndrome; Tumor predisposition. Identifiers: Orphanet 140162, MedGen C0027672, MeSH D009386, MONDO:0015356.
POLD1-related polyposis and colorectal cancer syndrome (CRCS10). Also called: Colorectal cancer, susceptibility to, 10; Colorectal cancer 10; COLORECTAL CANCER, SUSCEPTIBILITY TO, ON CHROMOSOME 19q. Identifiers: Orphanet 220460, MedGen C2675481, MONDO:0012953, OMIM 612591.
POLD1-related disorder. Also called: POLD1-related disorders; POLD1-related condition.

Allele frequency attached by ClinVar (database versions not stated): TOPMed 0.00004; gnomAD 0.00006.
gnomAD v4.1: 24 of 1,613,644 alleles (0.0015%); highest among the groups gnomAD compares: Admixed American, 0.013%; no homozygotes.

Submissions (7):

Labcorp Genetics (formerly Invitae), Labcorp
Classification: Uncertain significance for POLD1-related polyposis and colorectal cancer syndrome. Last evaluated: 2025-12-08. Review status: criteria provided, single submitter. Criteria: Invitae Variant Classification Sherloc (09022015). Collection method: clinical testing. Allele origin: germline.
Comment: This sequence change replaces valine, which is neutral and non-polar, with isoleucine, which is neutral and non-polar, at codon 596 of the POLD1 protein (p.Val596Ile). This variant is present in population databases (no rsID available, gnomAD 0.02%). This variant has not been reported in the literature in individuals affected with POLD1-related conditions. ClinVar contains an entry for this variant (Variation ID: 408030). Invitae Evidence Modeling of protein sequence and biophysical properties (such as structural, functional, and spatial information, amino acid conservation, physicochemical variation, residue mobility, and thermodynamic stability) indicates that this missense variant is not expected to disrupt POLD1 protein function with a negative predictive value of 80%. In summary, the available evidence is currently insufficient to determine the role of this variant in disease. Therefore, it has been classified as a Variant of Uncertain Significance.

Ambry Genetics
Classification: Uncertain significance for Hereditary cancer-predisposing syndrome. Last evaluated: 2025-10-22. Review status: criteria provided, single submitter. Criteria: Ambry Variant Classification Scheme 2023. Collection method: clinical testing. Allele origin: germline.

Mayo Clinic Laboratories, Mayo Clinic
Classification: Uncertain significance. Last evaluated: 2025-02-09. Review status: criteria provided, single submitter. Criteria: ACMG Guidelines, 2015. Collection method: clinical testing. Allele origin: germline. Observed: 1 variant allele.
Comment: BP4

PreventionGenetics, part of Exact Sciences
Classification: Uncertain significance for POLD1-related condition. Last evaluated: 2023-05-02. Review status: criteria provided, single submitter. Criteria: ACMG Guidelines, 2015. Collection method: clinical testing. Allele origin: germline.
Comment: The POLD1 c.1786G>A variant is predicted to result in the amino acid substitution p.Val596Ile. To our knowledge, this variant has not been reported as a germline variant in the literature. However, this variant has been reported as a somatic variant in a colorectal cancer tumor with microsatellite instability (Table S1B - Shinbrot et al. 2014. PubMed ID: 25228659). This variant is reported in 0.020% of alleles in individuals of African descent in gnomAD and has been interpreted as uncertain in ClinVar. At this time, the clinical significance of this variant is uncertain due to the absence of conclusive functional and genetic evidence.

Quest Diagnostics Nichols Institute San Juan Capistrano
Classification: Uncertain significance. Last evaluated: 2017-06-20. Review status: criteria provided, single submitter. Criteria: Quest Diagnostics criteria. Collection method: clinical testing. Allele origin: germline.

GeneDx
Classification: Uncertain significance. Last evaluated: 2017-06-14. Review status: criteria provided, single submitter. Criteria: GeneDx Variant Classification (06012015). Collection method: clinical testing. Allele origin: germline. Affected: yes.
Comment: This variant is denoted POLD1 c.1786G>A at the cDNA level, p.Val596Ile (V596I) at the protein level, and results in the change of a Valine to an Isoleucine (GTC>ATC). This variant has not, to our knowledge, been published in the literature as a germline variant; however, it has been reported in a colorectal tumor with microsatellite instability (Shinbrot 2014). POLD1 Val596Ile was not observed in large population cohorts (NHLBI Exome Sequencing Project, The 1000 Genomes Consortium 2015, Lek 2016). Since Valine and Isoleucine share similar properties, this is considered a conservative amino acid substitution. POLD1 Val596Ile occurs at a position where amino acids with properties similar to Valine are tolerated across species and is located in the Pol II/Motif A domain (Preston 2010). In silico analyses are inconsistent regarding the effect this variant may have on protein structure and function. Based on currently available evidence, it is unclear whether POLD1 Val596Ile is a pathogenic or benign variant. We consider it to be a variant of uncertain significance.

Counsyl
Classification: Uncertain significance for POLD1-related polyposis and colorectal cancer syndrome. Last evaluated: 2018-05-03. Review status: no assertion criteria provided. Collection method: clinical testing. Allele origin: unknown. Not counted in ClinVar's aggregate classification.